The following is an entry in ClinVar:

ClinVar aggregate classification (germline): Uncertain significance (1 of 4 stars; one submission).

Submission:

GeneDx
Classification: Uncertain significance. Last evaluated: 2024-12-30. Review status: criteria provided, single submitter. Criteria: GeneDx Variant Classification Process June 2021. Collection method: clinical testing. Allele origin: germline. Affected: yes.
Comment: De novo variant by research exome sequencing in an individual with developmental delay, autism spectrum disorder, and seizures; no dysmorphic features were noted and clinical workup for other anomalies was not completed (PMID: 30827496); Not observed at significant frequency in large population cohorts (gnomAD); In silico analysis supports that this missense variant has a deleterious effect on protein structure/function; This variant is associated with the following publications: (PMID: 30827496)

NM_001375524.1(TRRAP):c.6436T>C (p.Trp2146Arg)

Gene: TRRAP (transformation/transcription domain associated protein; plus strand). Cytogenetic location: 7q22.1.
Variant type: single nucleotide variant.
Coding change: c.6436T>C on transcript NM_001375524.1 (MANE Select); coding-DNA position 6436, T replaced by C.
Protein change: p.Trp2146Arg; replaces tryptophan 2146 with arginine.
Molecular consequence: missense variant.
Genome position (GRCh38, 1-based): chr7:98,959,437, T>C. VCF-style: chr7-98959437-T-C. GRCh37 (hg19) VCF-style: chr7-98557060-T-C.
Other names: c.6415T>C, p.Trp2139Arg (NM_001244580.2); c.6361T>C, p.Trp2121Arg (NM_003496.4); short protein forms W2121R, W2139R, W2146R.
Identifiers: ClinVar variation 3907751 (VCV003907751.1).